The following is an entry in ClinVar:

ClinVar aggregate classification (germline): Likely benign. Review status: criteria provided, multiple submitters, no conflicts (2 of 4 stars). 2 submissions from 2 submitters: Likely benign (2). Last evaluated 2025-10-09.

Conditions:
Autosomal recessive limb-girdle muscular dystrophy type 2L (LGMDR12). Also called: MUSCULAR DYSTROPHY, LIMB-GIRDLE, AUTOSOMAL RECESSIVE 12; Limb-girdle muscular dystrophy, type 2L; Limb-Girdle Muscular Dystrophy R12 Anoctamin-5-Related (LGMD-R12). Identifiers: Orphanet 206549, MedGen C1969785, MONDO:0012652, OMIM 611307.
Gnathodiaphyseal dysplasia (GDD). Also called: GNATHODIAPHYSEAL SCLEROSIS; OSTEOGENESIS IMPERFECTA WITH UNUSUAL SKELETAL LESIONS. Identifiers: Orphanet 53697, MedGen C1833736, MONDO:0008151, OMIM 166260.

Allele frequency attached by ClinVar (database versions not stated): ExAC 0.00002; gnomAD 0.00002; gnomAD exomes 0.00002 and 0.00003; TOPMed 0.00002.
gnomAD v4.1: 30 of 1,613,654 alleles (0.0019%); highest among the groups gnomAD compares: African/African-American, 0.004%; no homozygotes.

Submissions (2):

Labcorp Genetics (formerly Invitae), Labcorp
Classification: Likely benign for Autosomal recessive limb-girdle muscular dystrophy type 2L; Gnathodiaphyseal dysplasia. Last evaluated: 2025-10-09. Review status: criteria provided, single submitter. Criteria: Invitae Variant Classification Sherloc (09022015). Collection method: clinical testing. Allele origin: germline.

CeGaT Center for Human Genetics Tuebingen
Classification: Likely benign. Last evaluated: 2022-10-01. Review status: criteria provided, single submitter. Criteria: CeGaT Center For Human Genetics Tuebingen Variant Classification Criteria Version 2. Collection method: clinical testing. Allele origin: germline. Affected: yes. Observed: 1 variant allele.
Comment: ANO5: BP4, BP7

NM_213599.3(ANO5):c.1722C>T (p.Tyr574=)

Gene: ANO5 (anoctamin 5; plus strand). Cytogenetic location: 11p14.3.
Variant type: single nucleotide variant.
Coding change: c.1722C>T on transcript NM_213599.3 (MANE Select); coding-DNA position 1722, C replaced by T.
Protein change: p.Tyr574=; no amino-acid change (tyrosine 574 retained).
Molecular consequence: synonymous variant.
Genome position (GRCh38, 1-based): chr11:22,262,220, C>T. VCF-style: chr11-22262220-C-T. GRCh37 (hg19) VCF-style: chr11-22283766-C-T.
Other names: c.1719C>T, p.Tyr573= (NM_001142649.2).
Identifiers: ClinVar variation 756872 (VCV000756872.37), dbSNP rs781145099, ClinGen allele CA5923328.